The following is an entry in ClinVar:

ClinVar aggregate classification (germline): Pathogenic (1 of 4 stars; one submission).

Conditions:
Wolman disease (WOLD). Also called: Wolman disease, CESD; LYSOSOMAL ACID LIPASE DEFICIENCY, ACUTE INFANTILE; LYSOSOMAL ACID LIPASE DEFICIENCY, COMPLETE; LIPA DEFICIENCY, COMPLETE; LAL DEFICIENCY, COMPLETE; CHOLESTEROL ESTER HYDROLASE DEFICIENCY, COMPLETE. Identifiers: Orphanet 75233, MedGen C0043208, MONDO:0019148, OMIM 620151.
Cholesteryl ester storage disease (CESD). Also called: Childhood/Adult-Onset LAL-D (Cholesterol Ester Storage Disease [CESD]). Identifiers: Orphanet 75234, MedGen C0008384, MONDO:0019149, OMIM 278000.

Submission:

Juno Genomics, Hangzhou Juno Genomics, Inc
Classification: Pathogenic for Cholesteryl ester storage disease; Wolman disease. Review status: criteria provided, single submitter. Criteria: ACMG Guidelines, 2015. Collection method: clinical testing. Allele origin: germline.
Comment: Absent from controls (or at extremely low frequency if recessive) in Genome Aggregation Database.;Null variant in a gene where loss of function (LOF) is a known mechanism of disease.;For recessive disorders, detected in trans with a pathogenic variant.;Patient's phenotype or family history is highly specific for a disease with a single genetic etiology.

NM_000235.4(LIPA):c.317dup (p.Ile107fs)

Gene: LIPA (lipase A, lysosomal acid type; minus strand). Cytogenetic location: 10q23.31.
Variant type: Duplication.
Coding change: c.317dup on transcript NM_000235.4 (MANE Select); coding-DNA position 317, one base duplicated (T; older notation c.317dupT).
Protein change: p.Ile107fs; shifts the reading frame from isoleucine 107.
Molecular consequence: frameshift variant. On other transcripts: 5 prime UTR variant (1).
Genome position (GRCh38, 1-based): chr10:89,228,311, A duplicated on the plus strand (T on the coding strand, the reverse complement: LIPA is on the minus strand); the first of 2 consecutive A bases (chr10:89,228,311-89,228,312); duplicating either gives the same sequence. VCF-style (leftmost placement, unchanged base first): chr10-89228310-G-GA. GRCh37 (hg19) VCF-style: chr10-90988067-G-GA.
Other names: c.317dup, p.Ile107fs (NM_001127605.3, NM_001440818.1, NM_001440819.1 and 17 more transcripts); c.-32dup (NM_001288979.2); c.449dup, p.Ile151fs (NM_001440836.1); c.332dup, p.Ile112fs (NM_001440838.1); c.149dup, p.Ile51fs (NM_001440839.1); short protein forms I112fs, I51fs, I107fs, I151fs.
Identifiers: ClinVar variation 5007749 (VCV005007749.2).
Genomic context (GRCh38, chr10:89,228,310, plus strand): 5'-AGACCAGGTATTTCCTCTGCTGTTGCCCATCCACACGTCAAAACCAGCATCAGCAAGAAT[G>GA]AAGCCCAGGCTGCTGTTGGCAAGGTTTGTGACCCAGTTACTAGAATCTGCCAGCAAGCCA-3'